The following is an entry in ClinVar:

ClinVar aggregate classification (germline): Conflicting classifications of pathogenicity. Review status: criteria provided, conflicting classifications (1 of 4 stars). 2 submissions from 2 submitters: Uncertain significance (1); Likely benign (1). Last evaluated 2024-03-05.

Conditions:
RASopathy. Also called: Noonan spectrum disorder; rasopathies. Identifiers: Orphanet 536391, MedGen C5555857, MONDO:0021060.

Allele frequency attached by ClinVar (database versions not stated): gnomAD exomes below 0.00001; gnomAD 0.00001; TOPMed 0.00001.
gnomAD v4.1: 3 of 1,614,030 alleles (0.00019%); highest among the groups gnomAD compares: Non-Finnish European, 0.000085%; no homozygotes.

Submissions (2):

Labcorp Genetics (formerly Invitae), Labcorp
Classification: Uncertain significance for RASopathy. Last evaluated: 2024-03-05. Review status: criteria provided, single submitter. Criteria: Invitae Variant Classification Sherloc (09022015). Collection method: clinical testing. Allele origin: germline.
Comment: This sequence change replaces alanine, which is neutral and non-polar, with threonine, which is neutral and polar, at codon 853 of the CBL protein (p.Ala853Thr). This variant is present in population databases (no rsID available, gnomAD 0.01%). This variant has not been reported in the literature in individuals affected with CBL-related conditions. ClinVar contains an entry for this variant (Variation ID: 1417956). Advanced modeling of protein sequence and biophysical properties (such as structural, functional, and spatial information, amino acid conservation, physicochemical variation, residue mobility, and thermodynamic stability) performed at Invitae indicates that this missense variant is not expected to disrupt CBL protein function with a negative predictive value of 95%. In summary, the available evidence is currently insufficient to determine the role of this variant in disease. Therefore, it has been classified as a Variant of Uncertain Significance.

Blueprint Genetics
Classification: Likely benign. Last evaluated: 2023-06-19. Review status: criteria provided, single submitter. Criteria: ACMG Guidelines, 2015. Collection method: clinical testing. Allele origin: germline.

NM_005188.4(CBL):c.2557G>A (p.Ala853Thr)

Gene: CBL (Cbl proto-oncogene; plus strand). Cytogenetic location: 11q23.3.
Variant type: single nucleotide variant.
Coding change: c.2557G>A on transcript NM_005188.4 (MANE Select); coding-DNA position 2557, G replaced by A.
Protein change: p.Ala853Thr; replaces alanine 853 with threonine.
Molecular consequence: missense variant.
Genome position (GRCh38, 1-based): chr11:119,299,617, G>A. VCF-style: chr11-119299617-G-A. GRCh37 (hg19) VCF-style: chr11-119170327-G-A.
Other names: short protein forms A853T.
Identifiers: ClinVar variation 1417956 (VCV001417956.7), dbSNP rs1393832618, ClinGen allele CA382932630.